The following is an entry in ClinVar:

ClinVar aggregate classification (germline): Uncertain significance (1 of 4 stars; one submission).

gnomAD v4.1: 1 of 1,611,534 alleles (0.000062%); highest among the groups gnomAD compares: Non-Finnish European, 0.000085%; no homozygotes.

Submission:

GeneDx
Classification: Uncertain significance. Last evaluated: 2025-04-09. Review status: criteria provided, single submitter. Criteria: GeneDx Variant Classification Process June 2021. Collection method: clinical testing. Allele origin: germline. Affected: yes.
Comment: Not observed at significant frequency in large population cohorts (gnomAD); In silico analysis indicates that this variant does not alter splicing; Has not been previously published as pathogenic or benign to our knowledge; Reported using an alternate transcript of the gene

NM_000293.3(PHKB):c.2427+1043G>C

Gene: PHKB (phosphorylase kinase regulatory subunit beta; plus strand). Cytogenetic location: 16q12.1.
Variant type: single nucleotide variant.
Coding change: c.2427+1043G>C on transcript NM_000293.3 (MANE Select); 1043 bases into the intron after coding-DNA position 2427, G replaced by C.
Molecular consequence: intron variant. On other transcripts: missense variant (2).
Genome position (GRCh38, 1-based): chr16:47,666,018, G>C. VCF-style: chr16-47666018-G-C. GRCh37 (hg19) VCF-style: chr16-47699929-G-C.
Other names: c.2392G>C, p.Val798Leu (NM_001031835.3); c.2413G>C, p.Val805Leu (NM_001363837.1); short protein forms V798L, V805L.
Identifiers: ClinVar variation 4281837 (VCV004281837.1).
Genomic context (GRCh38, chr16:47,666,018, plus strand): 5'-GCAGCAAGTCTTTTAAGTAAAGTAGTGGACAGCCTGGCCCCATCCATTACTAATGTTTTA[G>C]TGCAGGGCAAACAGGTAAGTATTTGCTTTTCAGACACTTATTTGGTCCCGGTTGCAAAGA-3'